The following is an entry in ClinVar:

NM_018699.4(PRDM5):c.1297A>G (p.Lys433Glu)

Gene: PRDM5 (PR/SET domain 5; minus strand). Cytogenetic location: 4q27.
Variant type: single nucleotide variant.
Coding change: c.1297A>G on transcript NM_018699.4 (MANE Select); coding-DNA position 1297, A replaced by G.
Protein change: p.Lys433Glu; replaces lysine 433 with glutamic acid.
Molecular consequence: missense variant.
Genome position (GRCh38, 1-based): chr4:120,781,289, T>C on the plus strand (A>G on the coding strand, the complement: PRDM5 is on the minus strand). VCF-style: chr4-120781289-T-C. GRCh37 (hg19) VCF-style: chr4-121702444-T-C.
Other names: c.1204A>G, p.Lys402Glu (NM_001300823.2, NM_001300824.2, NM_001379106.1); c.1330A>G, p.Lys444Glu (NM_001379104.1); short protein forms K433E, K444E, K402E.
Identifiers: ClinVar variation 4143974 (VCV004143974.1).

ClinVar aggregate classification (germline): Uncertain significance (1 of 4 stars; one submission).

Conditions:
Cardiovascular phenotype. Identifiers: MedGen CN230736.

Submission:

Ambry Genetics
Classification: Uncertain significance for Cardiovascular phenotype. Last evaluated: 2025-07-30. Review status: criteria provided, single submitter. Criteria: Ambry Variant Classification Scheme 2023. Collection method: clinical testing. Allele origin: germline.
Comment: The p.K433E variant (also known as c.1297A>G), located in coding exon 12 of the PRDM5 gene, results from an A to G substitution at nucleotide position 1297. The lysine at codon 433 is replaced by glutamic acid, an amino acid with similar properties. This amino acid position is conserved. In addition, the in silico prediction for this alteration is inconclusive. Based on the available evidence, the clinical significance of this variant remains unclear.